The following is an entry in ClinVar:

NM_001040142.2(SCN2A):c.4551+1G>A

Gene: SCN2A (sodium voltage-gated channel alpha subunit 2; plus strand). Cytogenetic location: 2q24.3.
Variant type: single nucleotide variant.
Coding change: c.4551+1G>A on transcript NM_001040142.2 (MANE Select); the canonical splice donor site of the intron after coding-DNA position 4551, G replaced by A.
Molecular consequence: splice donor variant.
Genome position (GRCh38, 1-based): chr2:165,381,198, G>A. VCF-style: chr2-165381198-G-A. GRCh37 (hg19) VCF-style: chr2-166237708-G-A.
Other names: c.4551+1G>A (NM_001040143.2, NM_001371246.1, NM_001371247.1 and 1 more transcripts).
Identifiers: ClinVar variation 1066198 (VCV001066198.9), dbSNP rs527688117, ClinGen allele CA1940284.

ClinVar aggregate classification (germline): Pathogenic (1 of 4 stars; one submission).

Conditions:
Developmental and epileptic encephalopathy, 11 (DEE11). Also called: Early infantile epileptic encephalopathy 11. Identifiers: Orphanet 1934, MedGen C3150987, MONDO:0013388, OMIM 613721.
Seizures, benign familial infantile, 3 (BFIS3). Also called: Familial neonatal seizures; CONVULSIONS, BENIGN FAMILIAL INFANTILE, 3. Identifiers: Orphanet 140927, Orphanet 306, MedGen C1843140, MONDO:0011904, OMIM 607745.

Allele frequency attached by ClinVar (database versions not stated): gnomAD exomes below 0.00001; gnomAD 0.00001; ExAC 0.00003; 1000 Genomes Project 30x 0.00016; 1000 Genomes Project 0.00020.
gnomAD v4.1: 2 of 1,561,034 alleles (0.00013%); highest among the groups gnomAD compares: African/African-American, 0.0013%; no homozygotes.

Submission:

Labcorp Genetics (formerly Invitae), Labcorp
Classification: Pathogenic for Seizures, benign familial infantile, 3; Developmental and epileptic encephalopathy, 11. Last evaluated: 2024-11-11. Review status: criteria provided, single submitter. Criteria: Invitae Variant Classification Sherloc (09022015). Collection method: clinical testing. Allele origin: germline.
Comment: This sequence change affects a donor splice site in intron 25 of the SCN2A gene. It is expected to disrupt RNA splicing. Variants that disrupt the donor or acceptor splice site typically lead to a loss of protein function (PMID: 16199547), and loss-of-function variants in SCN2A are known to be pathogenic (PMID: 28379373). The frequency data for this variant in the population databases is considered unreliable, as metrics indicate poor data quality at this position in the gnomAD database. Disruption of this splice site has been observed in individual(s) with clinical features of developmental and epileptic encephalopathy (PMID: 36480001; internal data). In at least one individual the variant was observed to be de novo. ClinVar contains an entry for this variant (Variation ID: 1066198). Algorithms developed to predict the effect of sequence changes on RNA splicing suggest that this variant may disrupt the consensus splice site. For these reasons, this variant has been classified as Pathogenic.

Literature cited by the submitters: PubMed 16199547; PubMed 28379373; PubMed 36480001.